The following is an entry in ClinVar:

ClinVar aggregate classification (germline): Uncertain significance (1 of 4 stars; one submission).

Submission:

Labcorp Genetics (formerly Invitae), Labcorp
Classification: Uncertain significance. Last evaluated: 2025-09-16. Review status: criteria provided, single submitter. Criteria: Invitae Variant Classification Sherloc (09022015). Collection method: clinical testing. Allele origin: germline.
Comment: This sequence change replaces aspartic acid, which is acidic and polar, with glycine, which is neutral and non-polar, at codon 906 of the KCNQ5 protein (p.Asp906Gly). This variant is not present in population databases (gnomAD no frequency). This variant has not been reported in the literature in individuals affected with KCNQ5-related conditions. ClinVar contains an entry for this variant (Variation ID: 1964285). Invitae Evidence Modeling of protein sequence and biophysical properties (such as structural, functional, and spatial information, amino acid conservation, physicochemical variation, residue mobility, and thermodynamic stability) indicates that this missense variant is not expected to disrupt KCNQ5 protein function with a negative predictive value of 95%. In summary, the available evidence is currently insufficient to determine the role of this variant in disease. Therefore, it has been classified as a Variant of Uncertain Significance.

NM_019842.4(KCNQ5):c.2660A>G (p.Asp887Gly)

Gene: KCNQ5 (potassium voltage-gated channel subfamily Q member 5; plus strand). Cytogenetic location: 6q13.
Variant type: single nucleotide variant.
Coding change: c.2660A>G on transcript NM_019842.4 (MANE Select); coding-DNA position 2660, A replaced by G.
Protein change: p.Asp887Gly; replaces aspartic acid 887 with glycine.
Molecular consequence: missense variant.
Genome position (GRCh38, 1-based): chr6:73,195,275, A>G. VCF-style: chr6-73195275-A-G. GRCh37 (hg19) VCF-style: chr6-73904998-A-G.
Other names: c.2633A>G, p.Asp878Gly (NM_001160130.2); c.2690A>G, p.Asp897Gly (NM_001160132.2); c.2717A>G, p.Asp906Gly (NM_001160133.2); c.2330A>G, p.Asp777Gly (NM_001160134.2); short protein forms D887G, D897G, D878G, D906G, D777G.
Identifiers: ClinVar variation 1964285 (VCV001964285.5), dbSNP rs2533933356, ClinGen allele CA364696996.
Genomic context (GRCh38, chr6:73,195,275, plus strand): 5'-CCAAATTGTTTATAACTGATGAAGAGGTGGGTCCCGAAGAGACAGAGACAGACACTTTTG[A>G]TGCCGCACCGCAGCCTGCCAGGGAAGCTGCCTTTGCATCAGACTCTCTAAGGACTGGAAG-3'
Protein context (NP_062816.2, residues 877-897): GPEETETDTF[Asp887Gly]AAPQPAREAA